The following is an entry in ClinVar:

NM_001606.5(ABCA2):c.4181A>G (p.Tyr1394Cys)

Gene: ABCA2 (ATP binding cassette subfamily A member 2; minus strand). Cytogenetic location: 9q34.3.
Variant type: single nucleotide variant.
Coding change: c.4181A>G on transcript NM_001606.5 (MANE Select); coding-DNA position 4181, A replaced by G.
Protein change: p.Tyr1394Cys; replaces tyrosine 1394 with cysteine.
Molecular consequence: missense variant.
Genome position (GRCh38, 1-based): chr9:137,014,227, T>C on the plus strand (A>G on the coding strand, the complement: ABCA2 is on the minus strand). VCF-style: chr9-137014227-T-C. GRCh37 (hg19) VCF-style: chr9-139908679-T-C.
Other names: c.4178A>G, p.Tyr1393Cys (NM_001411042.1); c.4271A>G, p.Tyr1424Cys (NM_212533.3); short protein forms Y1393C, Y1424C, Y1394C.
Identifiers: ClinVar variation 3096002 (VCV003096002.3), dbSNP rs537366227, ClinGen allele CA5354490.

ClinVar aggregate classification (germline): Conflicting classifications of pathogenicity. Review status: criteria provided, conflicting classifications (1 of 4 stars). 3 submissions from 3 submitters: Uncertain significance (2); Likely benign (1). Last evaluated 2024-08-05.

Allele frequency attached by ClinVar (database versions not stated): gnomAD 0.00006; ExAC 0.00007; TOPMed 0.00009; gnomAD exomes 0.00013; 1000 Genomes Project 0.00020; 1000 Genomes Project 30x 0.00031.
gnomAD v4.1: 200 of 1,610,158 alleles (0.012%); highest among the groups gnomAD compares: Admixed American, 0.025%; 1 homozygote.

Submissions (3):

GeneDx
Classification: Uncertain significance. Last evaluated: 2024-08-05. Review status: criteria provided, single submitter. Criteria: GeneDx Variant Classification Process June 2021. Collection method: clinical testing. Allele origin: germline. Affected: yes.
Comment: In silico analysis indicates that this missense variant does not alter protein structure/function; Has not been previously published as pathogenic or benign to our knowledge

Blueprint Genetics
Classification: Likely benign. Last evaluated: 2024-03-05. Review status: criteria provided, single submitter. Criteria: ACMG Guidelines, 2015. Collection method: clinical testing. Allele origin: germline.

Ambry Genetics
Classification: Uncertain significance. Last evaluated: 2023-10-25. Review status: criteria provided, single submitter. Criteria: Ambry Variant Classification Scheme 2023. Collection method: clinical testing. Allele origin: germline.